The following is an entry in ClinVar:

NM_001276270.2(MBD4):c.1711T>A (p.Leu571Ile)

Gene: MBD4 (methyl-CpG binding domain 4, DNA glycosylase; minus strand). Cytogenetic location: 3q21.3.
Variant type: single nucleotide variant.
Coding change: c.1711T>A on transcript NM_001276270.2 (MANE Select); coding-DNA position 1711, T replaced by A.
Protein change: p.Leu571Ile; replaces leucine 571 with isoleucine.
Molecular consequence: missense variant. On other transcripts: 3 prime UTR variant (1).
Genome position (GRCh38, 1-based): chr3:129,431,515, A>T on the plus strand (T>A on the coding strand, the complement: MBD4 is on the minus strand). VCF-style: chr3-129431515-A-T. GRCh37 (hg19) VCF-style: chr3-129150358-A-T.
Other names: c.*53T>A (NM_001276272.2); c.775T>A, p.Leu259Ile (NM_001276273.2); c.1729T>A, p.Leu577Ile (NM_003925.3); short protein forms L571I, L259I, L577I.
Identifiers: ClinVar variation 4720230 (VCV004720230.1).
Genomic context (GRCh38, chr3:129,431,515, plus strand): 5'-GAAGTGCAAAGCTATGCATAACAGATGAGCTTGAAAGCTGCAGAGTTTAAGATAGACTTA[A>T]TTTTTCATGATTTTCCCAAAGCCAGTCATGATATTTATTTAATTTGTGGTCTTCAGGGTG-3'
Protein context (NP_001263199.1, residues 561-574): HDWLWENHEK[Leu571Ile]SLS

ClinVar aggregate classification (germline): Uncertain significance (1 of 4 stars; one submission).

Submission:

Labcorp Genetics (formerly Invitae), Labcorp
Classification: Uncertain significance. Last evaluated: 2025-05-26. Review status: criteria provided, single submitter. Criteria: Invitae Variant Classification Sherloc (09022015). Collection method: clinical testing. Allele origin: germline.
Comment: This sequence change replaces leucine, which is neutral and non-polar, with isoleucine, which is neutral and non-polar, at codon 577 of the MBD4 protein (p.Leu577Ile). This variant is not present in population databases (gnomAD no frequency). This variant has not been reported in the literature in individuals affected with MBD4-related conditions. An algorithm developed to predict the effect of missense changes on protein structure and function (PolyPhen-2) suggests that this variant is likely to be disruptive. In summary, the available evidence is currently insufficient to determine the role of this variant in disease. Therefore, it has been classified as a Variant of Uncertain Significance.